The following is an entry in ClinVar:

ClinVar aggregate classification (germline): Pathogenic (1 of 4 stars; one submission).

Conditions:
Neurofibromatosis, type 1 (NF1). Also called: Peripheral type neurofibromatosis; NEUROFIBROMATOSIS, TYPE I, SOMATIC; Neurofibromatosis, type I; VON RECKLINGHAUSEN DISEASE. Identifiers: Orphanet 636, MedGen C0027831, MONDO:0018975, OMIM 162200. Disease mechanism: loss of function.

Submission:

Labcorp Genetics (formerly Invitae), Labcorp
Classification: Pathogenic for Neurofibromatosis, type 1. Last evaluated: 2023-11-08. Review status: criteria provided, single submitter. Criteria: Invitae Variant Classification Sherloc (09022015). Collection method: clinical testing. Allele origin: germline.
Comment: This sequence change replaces tyrosine, which is neutral and polar, with asparagine, which is neutral and polar, at codon 1169 of the NF1 protein (p.Tyr1169Asn). This variant is not present in population databases (gnomAD no frequency). This missense change has been observed in individual(s) with clinical features of neurofibromatosis, type 1 (Invitae). In at least one individual the variant was observed to be de novo. ClinVar contains an entry for this variant (Variation ID: 2127459). Advanced modeling of protein sequence and biophysical properties (such as structural, functional, and spatial information, amino acid conservation, physicochemical variation, residue mobility, and thermodynamic stability) performed at Invitae indicates that this missense variant is expected to disrupt NF1 protein function with a positive predictive value of 95%. For these reasons, this variant has been classified as Pathogenic.

NM_001042492.3(NF1):c.3505T>A (p.Tyr1169Asn)

Gene: NF1 (neurofibromin 1; plus strand). Cytogenetic location: 17q11.2.
Variant type: single nucleotide variant.
Coding change: c.3505T>A on transcript NM_001042492.3 (MANE Select); coding-DNA position 3505, T replaced by A.
Protein change: p.Tyr1169Asn; replaces tyrosine 1169 with asparagine.
Molecular consequence: missense variant.
Genome position (GRCh38, 1-based): chr17:31,233,010, T>A. VCF-style: chr17-31233010-T-A. GRCh37 (hg19) VCF-style: chr17-29560028-T-A.
Other names: c.3505T>A, p.Tyr1169Asn (NM_000267.4); short protein forms Y1169N.
Identifiers: ClinVar variation 2127459 (VCV002127459.4), dbSNP rs2067141225, ClinGen allele CA398989644.